The following is an entry in ClinVar:

NM_006073.4(TRDN):c.1627C>A (p.Gln543Lys)

Gene: TRDN (triadin; minus strand). Cytogenetic location: 6q22.31.
Variant type: single nucleotide variant.
Coding change: c.1627C>A on transcript NM_006073.4 (MANE Select); coding-DNA position 1627, C replaced by A.
Protein change: p.Gln543Lys; replaces glutamine 543 with lysine.
Molecular consequence: missense variant.
Genome position (GRCh38, 1-based): chr6:123,273,009, G>T on the plus strand (C>A on the coding strand, the complement: TRDN is on the minus strand). VCF-style: chr6-123273009-G-T. GRCh37 (hg19) VCF-style: chr6-123594154-G-T.
Other names: short protein forms Q543K.
Identifiers: ClinVar variation 240283 (VCV000240283.17), dbSNP rs9398723, ClinGen allele CA3983825.

ClinVar aggregate classification (germline): Conflicting classifications of pathogenicity. Review status: criteria provided, conflicting classifications (1 of 4 stars). 5 submissions from 5 submitters: Uncertain significance (2); Likely benign (3). Last evaluated 2026-01-17.

Conditions:
Cardiovascular phenotype. Identifiers: MedGen CN230736.
Catecholaminergic polymorphic ventricular tachycardia 1. Also called: VENTRICULAR TACHYCARDIA, CATECHOLAMINERGIC POLYMORPHIC, 1, WITH OR WITHOUT ATRIAL DYSFUNCTION AND/OR DILATED CARDIOMYOPATHY; VENTRICULAR TACHYCARDIA, STRESS-INDUCED POLYMORPHIC 1; RYR2-Related Catecholaminergic Polymorphic Ventricular Tachycardia. Identifiers: Orphanet 3286, MedGen C1631597, MONDO:0011484, OMIM 604772.
Catecholaminergic polymorphic ventricular tachycardia 5 (CARDAR). Also called: Ventricular tachycardia, catecholaminergic polymorphic, 5, with or without muscle weakness; CARDIAC ARRHYTHMIA SYNDROME, WITH OR WITHOUT SKELETAL MUSCLE WEAKNESS. Identifiers: Orphanet 3286, MedGen C3809536, MONDO:0014191, OMIM 615441.

Allele frequency attached by ClinVar (database versions not stated): gnomAD 0.00013 and 0.00016; TOPMed 0.00014; gnomAD exomes 0.00022; ExAC 0.00035; 1000 Genomes Project 30x 0.00078; 1000 Genomes Project 0.00100.
gnomAD v4.1: 66 of 1,500,226 alleles (0.0044%); highest among the groups gnomAD compares: East Asian, 0.12%; no homozygotes.

Submissions (5):

Labcorp Genetics (formerly Invitae), Labcorp
Classification: Likely benign for Catecholaminergic polymorphic ventricular tachycardia 1. Last evaluated: 2026-01-17. Review status: criteria provided, single submitter. Criteria: Invitae Variant Classification Sherloc (09022015). Collection method: clinical testing. Allele origin: germline.

Molecular Diagnostic Laboratory for Inherited Cardiovascular Disease, Montreal Heart Institute
Classification: Likely benign. Last evaluated: 2025-04-09. Review status: criteria provided, single submitter. Criteria: ACMG Guidelines, 2015. Collection method: clinical testing. Allele origin: germline. Affected: no.
Comment: BS1, BP4

GeneDx
Classification: Uncertain significance. Last evaluated: 2024-03-25. Review status: criteria provided, single submitter. Criteria: GeneDx Variant Classification Process June 2021. Collection method: clinical testing. Allele origin: germline. Affected: yes.
Comment: Has been reported in the compound heterozygous state in an individual who also carried a chromosome 22 microdeletion (PMID: 32703023); In silico analysis supports that this missense variant does not alter protein structure/function; This variant is associated with the following publications: (PMID: 32703023)

Ambry Genetics
Classification: Likely benign for Cardiovascular phenotype. Last evaluated: 2023-07-19. Review status: criteria provided, single submitter. Criteria: Ambry Variant Classification Scheme 2023. Collection method: clinical testing. Allele origin: germline.

Fulgent Genetics
Classification: Uncertain significance for Catecholaminergic polymorphic ventricular tachycardia 1; Catecholaminergic polymorphic ventricular tachycardia 5. Last evaluated: 2021-11-05. Review status: criteria provided, single submitter. Criteria: ACMG Guidelines, 2015. Collection method: clinical testing. Allele origin: unknown.